The following is an entry in ClinVar:

ClinVar aggregate classification (germline): Uncertain significance (1 of 4 stars; one submission).

Allele frequency attached by ClinVar (database versions not stated): gnomAD 0.00001; gnomAD exomes below 0.00001; TOPMed below 0.00001.
gnomAD v4.1: 6 of 1,570,036 alleles (0.00038%); highest among the groups gnomAD compares: South Asian, 0.0012%; no homozygotes.

Submission:

GeneDx
Classification: Uncertain significance. Last evaluated: 2023-11-05. Review status: criteria provided, single submitter. Criteria: GeneDx Variant Classification Process June 2021. Collection method: clinical testing. Allele origin: germline. Affected: yes.
Comment: In silico analysis supports that this missense variant has a deleterious effect on protein structure/function; Has not been previously published as pathogenic or benign to our knowledge; This variant is associated with the following publications: (PMID: Dukkipati2023[casereport])

NM_001385012.1(NBEA):c.8372C>T (p.Pro2791Leu)

Gene: NBEA (neurobeachin; plus strand). Cytogenetic location: 13q13.3.
Variant type: single nucleotide variant.
Coding change: c.8372C>T on transcript NM_001385012.1 (MANE Select); coding-DNA position 8372, C replaced by T.
Protein change: p.Pro2791Leu; replaces proline 2791 with leucine.
Molecular consequence: missense variant.
Genome position (GRCh38, 1-based): chr13:35,665,094, C>T. VCF-style: chr13-35665094-C-T. GRCh37 (hg19) VCF-style: chr13-36239231-C-T.
Other names: c.1688C>T, p.Pro563Leu (NM_001204197.3); c.8363C>T, p.Pro2788Leu (NM_001379245.1); c.8309C>T, p.Pro2770Leu (NM_015678.5); short protein forms P2770L, P2788L, P2791L, P563L.
Identifiers: ClinVar variation 3253052 (VCV003253052.1), dbSNP rs1450566339.